The following is an entry in ClinVar:

ClinVar aggregate classification (germline): Pathogenic/Likely pathogenic. Review status: criteria provided, multiple submitters, no conflicts (2 of 4 stars). 5 submissions from 5 submitters: Pathogenic (3); Likely pathogenic (1). 1 of the submissions does not count toward it. Last evaluated 2025-06-23.

Conditions:
PMP22-related disorder. Also called: PMP22-related disorders; PMP22-related condition.
Charcot-Marie-Tooth disease, type I (CMT1). Also called: Charcot-Marie-Tooth, Type 1; Charcot-Marie-Tooth disease type 1. Identifiers: Orphanet 65753, MedGen C0751036, MONDO:0019011.
Charcot-Marie-Tooth disease, type IA (CMT1A). Also called: Charcot-Marie-Tooth disease type 1A; CMT 1A; Hereditary motor and sensory neuropathy 1A; HMSN 1A; CHARCOT-MARIE-TOOTH DISEASE, AUTOSOMAL DOMINANT, WITH FOCALLY FOLDED MYELIN SHEATHS, TYPE 1A; CHARCOT-MARIE-TOOTH NEUROPATHY, TYPE 1A. Identifiers: Orphanet 101081, MedGen C0270911, MONDO:0007309, OMIM 118220.
DEJERINE-SOTTAS SYNDROME, AUTOSOMAL DOMINANT. Identifiers: MedGen C4016264.

Submissions (5):

Labcorp Genetics (formerly Invitae), Labcorp
Classification: Pathogenic for Charcot-Marie-Tooth disease, type I. Last evaluated: 2025-06-23. Review status: criteria provided, single submitter. Criteria: Invitae Variant Classification Sherloc (09022015). Collection method: clinical testing. Allele origin: germline.
Comment: This sequence change replaces methionine, which is neutral and non-polar, with lysine, which is basic and polar, at codon 69 of the PMP22 protein (p.Met69Lys). This variant is not present in population databases (gnomAD no frequency). This missense change has been observed in individual(s) with Dejerine-Sottas syndrome (PMID: 8275092). In at least one individual the variant was observed to be de novo. ClinVar contains an entry for this variant (Variation ID: 8432). Invitae Evidence Modeling of protein sequence and biophysical properties (such as structural, functional, and spatial information, amino acid conservation, physicochemical variation, residue mobility, and thermodynamic stability) indicates that this missense variant is expected to disrupt PMP22 protein function with a positive predictive value of 95%. Experimental studies have shown that this missense change affects PMP22 function (PMID: 26102530). For these reasons, this variant has been classified as Pathogenic.

Blueprint Genetics
Classification: Likely pathogenic for PMP22-related disorders. Last evaluated: 2019-12-09. Review status: criteria provided, single submitter. Criteria: ACMG Guidelines, 2015. Collection method: clinical testing. Allele origin: germline. Affected: yes. Observed: 1 variant allele.

GeneDx
Classification: Pathogenic. Last evaluated: 2017-05-18. Review status: criteria provided, single submitter. Criteria: GeneDx Variant Classification (06012015). Collection method: clinical testing. Allele origin: germline. Affected: yes.
Comment: The M69K missense variant in the PMP22 gene has been reported previously as a de novo change in an individual with Dejerine-Sottas syndrome (Roa et al., 1993). Functional studies have demonstrated that the M69K variant impairs and destabilizes the PMP22 protein (Schleback et al., 2015). The M69K variant is not observed in large population cohorts (Lek et al., 2016; 1000 Genomes Consortium et al., 2015; Exome Variant Server). The M69K variant is a non-conservative amino acid substitution, which is likely to impact secondary protein structure as these residues differ in polarity, charge, size and/or other properties. This substitution occurs at a position that is conserved across species, and in silico analysis predicts this variant is probably damaging to the protein structure/function. Additionally, missense variants at the same (M69R) in nearby residues (A67T/P/D, L71P, S72P/W/L) have been reported in Human Gene Mutation Database in association with PMP22-related neuropathies (Stenson et al., 2014), supporting the functional importance of this region of the protein. Therefore, this variant is interpreted to be a pathogenic variant and its presence is consistent with the diagnosis in this patient.

Neuberg Centre For Genomic Medicine, NCGM
Classification: Pathogenic for Charcot-Marie-Tooth disease, type IA. Review status: criteria provided, single submitter. Criteria: ACMG Guidelines, 2015. Collection method: clinical testing. Allele origin: germline. Inheritance: Autosomal dominant inheritance. Affected: yes.
Comment: The missense variant c.206T>A (p.Met69Lys) in PMP22 gene has been reported previously in heterozygous state in individuals affected with Charcot-MarieTooth disease, type 1A (Chundi Vinay Kumar et al., 2014). Functional studies have demonstrated that the M69K variant impairs and destabilizes the PMP22 protein (Schleback et al., 2015). The p.Met69Lys variant is novel (not in any individuals) in gnomAD Exomes and 1000 Genomes. It has been submitted to ClinVar as Pathogenic. The amino acid Met at position 69 is changed to a Lys changing protein sequence and it might alter its composition and physicochemical properties. The amino acid change p.Met69Lys in PMP22 is predicted as conserved by GERP++ and PhyloP across 100 vertebrates. For these reasons, this variant has been classified as Pathogenic.

OMIM
Classification: Pathogenic for DEJERINE-SOTTAS SYNDROME, AUTOSOMAL DOMINANT. Last evaluated: 1993-11-01. Review status: no assertion criteria provided. Collection method: literature only. Allele origin: germline. Not counted in ClinVar's aggregate classification.

Literature cited by the submitters: PubMed 8275092 (cited by Labcorp Genetics (formerly Invitae), Labcorp and OMIM); PubMed 26102530 (cited by Labcorp Genetics (formerly Invitae), Labcorp).

NM_000304.4(PMP22):c.206T>A (p.Met69Lys)

Gene: PMP22 (peripheral myelin protein 22; minus strand). Cytogenetic location: 17p12.
Variant type: single nucleotide variant.
Coding change: c.206T>A on transcript NM_000304.4 (MANE Select); coding-DNA position 206, T replaced by A.
Protein change: p.Met69Lys; replaces methionine 69 with lysine.
Molecular consequence: missense variant. On other transcripts: non-coding transcript variant (2).
Genome position (GRCh38, 1-based): chr17:15,239,584, A>T on the plus strand (T>A on the coding strand, the complement: PMP22 is on the minus strand). VCF-style: chr17-15239584-A-T. GRCh37 (hg19) VCF-style: chr17-15142901-A-T.
Other names: c.206T>A, p.Met69Lys (NM_001281455.2, NM_001281456.2, NM_001330143.2 and 2 more transcripts); short protein forms M69K.
Identifiers: ClinVar variation 8432 (VCV000008432.8), dbSNP rs104894620, ClinGen allele CA119618.